The following is an entry in ClinVar:

ClinVar aggregate classification (germline): Uncertain significance (1 of 4 stars; one submission).

Conditions:
Hereditary cancer-predisposing syndrome. Also called: Neoplastic Syndromes, Hereditary; Tumor predisposition; Hereditary Cancer Syndrome; Hereditary neoplastic syndrome. Identifiers: Orphanet 140162, MedGen C0027672, MeSH D009386, MONDO:0015356.

Submission:

Ambry Genetics
Classification: Uncertain significance for Hereditary cancer-predisposing syndrome. Last evaluated: 2026-05-17. Review status: criteria provided, single submitter. Criteria: Ambry Variant Classification Scheme 2023. Collection method: clinical testing. Allele origin: germline.
Comment: The p.V311L variant (also known as c.931G>C), located in coding exon 9 of the MITF gene, results from a G to C substitution at nucleotide position 931. The valine at codon 311 is replaced by leucine, an amino acid with highly similar properties. This amino acid position is conserved. In addition, this alteration is predicted to be tolerated by in silico analysis. Based on the available evidence, the clinical significance of this variant remains unclear.

NM_001354604.2(MITF):c.1252G>C (p.Val418Leu)

Gene: MITF (melanocyte inducing transcription factor; plus strand). Cytogenetic location: 3p13.
Variant type: single nucleotide variant.
Coding change: c.1252G>C on transcript NM_001354604.2 (MANE Select); coding-DNA position 1252, G replaced by C.
Protein change: p.Val418Leu; replaces valine 418 with leucine.
Molecular consequence: missense variant.
Genome position (GRCh38, 1-based): chr3:69,964,919, G>C. VCF-style: chr3-69964919-G-C. GRCh37 (hg19) VCF-style: chr3-70014070-G-C.
Other names: c.931G>C, p.Val311Leu (NM_000248.4); c.1186G>C, p.Val396Leu (NM_198177.3); c.745G>C, p.Val249Leu (NM_198178.3); c.1078G>C, p.Val360Leu (NM_001184967.2, NM_001354608.2); c.1249G>C, p.Val417Leu (NM_001354605.2); c.1231G>C, p.Val411Leu (NM_001354606.2, NM_006722.3); c.1183G>C, p.Val395Leu (NM_001354607.2); c.913G>C, p.Val305Leu (NM_198158.3); and 1 more; short protein forms V249L, V305L, V311L, V360L, V395L, V396L, V411L, V412L.
Identifiers: ClinVar variation 4860076 (VCV004860076.1).